The following is an entry in ClinVar:

ClinVar aggregate classification (germline): Uncertain significance (1 of 4 stars; one submission).

Allele frequency attached by ClinVar (database versions not stated): gnomAD 0.00001; gnomAD exomes 0.00001.
gnomAD v4.1: 14 of 1,612,874 alleles (0.00087%); highest among the groups gnomAD compares: South Asian, 0.0044%; no homozygotes.

Submission:

Labcorp Genetics (formerly Invitae), Labcorp
Classification: Uncertain significance. Last evaluated: 2023-04-12. Review status: criteria provided, single submitter. Criteria: Invitae Variant Classification Sherloc (09022015). Collection method: clinical testing. Allele origin: germline.
Comment: In summary, the available evidence is currently insufficient to determine the role of this variant in disease. Therefore, it has been classified as a Variant of Uncertain Significance. Algorithms developed to predict the effect of missense changes on protein structure and function output the following: SIFT: "Not Available"; PolyPhen-2: "Not Available"; Align-GVGD: "Not Available". The serine amino acid residue is found in multiple mammalian species, which suggests that this missense change does not adversely affect protein function. This variant has not been reported in the literature in individuals affected with PCLO-related conditions. This variant is present in population databases (no rsID available, gnomAD 0.003%). This sequence change replaces asparagine, which is neutral and polar, with serine, which is neutral and polar, at codon 4007 of the PCLO protein (p.Asn4007Ser).

NM_033026.6(PCLO):c.12020A>G (p.Asn4007Ser)

Gene: PCLO (piccolo presynaptic cytomatrix protein; minus strand). Cytogenetic location: 7q21.11.
Variant type: single nucleotide variant.
Coding change: c.12020A>G on transcript NM_033026.6 (MANE Select); coding-DNA position 12020, A replaced by G.
Protein change: p.Asn4007Ser; replaces asparagine 4007 with serine.
Molecular consequence: missense variant.
Genome position (GRCh38, 1-based): chr7:82,915,966, T>C on the plus strand (A>G on the coding strand, the complement: PCLO is on the minus strand). VCF-style: chr7-82915966-T-C. GRCh37 (hg19) VCF-style: chr7-82545282-T-C.
Other names: c.12020A>G, p.Asn4007Ser (NM_014510.3); short protein forms N4007S.
Identifiers: ClinVar variation 2879606 (VCV002879606.1), dbSNP rs1159112293, ClinGen allele CA367890644.
Genomic context (GRCh38, chr7:82,915,966, plus strand): 5'-GATATTGGACTGCTTGCCATGCTACTTCTTTCCTCCAAACCTATTCTCAAGTCTAAACTA[T>C]TGTACTTACTACCAAGATGGGAAACAGCAAATGTGTTATCCGTAGAAACAGGTGCTATCA-3'
Protein context (NP_149015.2, residues 3997-4017): FAVSHLGSKY[Asn4007Ser]SLDLRIGLEE